The following is an entry in ClinVar:

ClinVar aggregate classification (germline): Uncertain significance (1 of 4 stars; one submission).

Conditions:
Creatine transporter deficiency (CCDS1). Also called: CEREBRAL CREATINE DEFICIENCY SYNDROME 1; Creatine Transporter (CRTR) Deficiency; Mental retardation , X-linked with seizures, short stature and midface hypoplasia; Mental retardation , X-linked, with creatine transport deficiency; X-linked creatine transporter deficiency; X-linked creatine deficiency syndrome. Identifiers: Orphanet 52503, MedGen C1845862, MONDO:0010305, OMIM 300352.

Submission:

Labcorp Genetics (formerly Invitae), Labcorp
Classification: Uncertain significance for Creatine transporter deficiency. Last evaluated: 2022-09-23. Review status: criteria provided, single submitter. Criteria: Invitae Variant Classification Sherloc (09022015). Collection method: clinical testing. Allele origin: germline.
Comment: This variant results in a copy number gain of the genomic region encompassing exon(s) 1 of the SLC6A8 gene. This region includes the initiator codon of the gene. This copy number gain extends beyond the assayed region for this gene and therefore may encompass additional genes. As the precise location of this event is unknown, it may be in tandem or it may be located elsewhere in the genome. This variant has not been reported in the literature in individuals affected with SLC6A8-related conditions. Experimental studies and prediction algorithms are not available or were not evaluated, and the functional significance of this variant is currently unknown. In summary, the available evidence is currently insufficient to determine the role of this variant in disease. Therefore, it has been classified as a Variant of Uncertain Significance.

NC_000023.10:g.(?_152770090)_(152954311_?)dup

Genes: BGN (biglycan; plus strand), ATP2B3 (ATPase plasma membrane Ca2+ transporting 3; plus strand), CCNQ (cyclin Q; minus strand), DUSP9 (dual specificity phosphatase 9; plus strand), PNCK (pregnancy up-regulated nonubiquitous CaM kinase; minus strand) and 1 more. Cytogenetic location: Xq28.
Variant type: Duplication.
Identifiers: ClinVar variation 2425388 (VCV002425388.3).